The following is an entry in ClinVar:

ClinVar aggregate classification (germline): Uncertain significance. Review status: criteria provided, multiple submitters, no conflicts (2 of 4 stars). 2 submissions from 2 submitters: Uncertain significance (2). Last evaluated 2024-07-22.

Conditions:
Neuropathy, hereditary sensory and autonomic, type 2A (HSAN2A). Also called: WNK1-Related HSAN2 (HSAN2A); HSAN IIA; MORVAN DISEASE; NEUROPATHY, CONGENITAL SENSORY; NEUROPATHY, HEREDITARY SENSORY RADICULAR, AUTOSOMAL RECESSIVE; NEUROPATHY, HEREDITARY SENSORY, TYPE IIA. Identifiers: Orphanet 970, MedGen C2752089, MONDO:0024309, OMIM 201300.
Generalized epilepsy with febrile seizures plus, type 7 (GEFSP7). Also called: GEFS+, TYPE 7. Identifiers: Orphanet 36387, MedGen C2751778, MONDO:0013470, OMIM 613863.

gnomAD v4.1: 3 of 1,611,058 alleles (0.00019%); highest among the groups gnomAD compares: African/African-American, 0.0027%; no homozygotes.

Submissions (2):

Blueprint Genetics
Classification: Uncertain significance. Last evaluated: 2024-07-22. Review status: criteria provided, single submitter. Criteria: ACMG Guidelines, 2015. Collection method: clinical testing. Allele origin: germline.

Labcorp Genetics (formerly Invitae), Labcorp
Classification: Uncertain significance for Neuropathy, hereditary sensory and autonomic, type 2A; Generalized epilepsy with febrile seizures plus, type 7. Last evaluated: 2023-05-23. Review status: criteria provided, single submitter. Criteria: Invitae Variant Classification Sherloc (09022015). Collection method: clinical testing. Allele origin: germline.
Comment: ClinVar contains an entry for this variant (Variation ID: 1019446). This variant has not been reported in the literature in individuals affected with SCN9A-related conditions. This variant is not present in population databases (gnomAD no frequency). This sequence change replaces proline, which is neutral and non-polar, with alanine, which is neutral and non-polar, at codon 111 of the SCN9A protein (p.Pro111Ala). In summary, the available evidence is currently insufficient to determine the role of this variant in disease. Therefore, it has been classified as a Variant of Uncertain Significance. Advanced modeling of protein sequence and biophysical properties (such as structural, functional, and spatial information, amino acid conservation, physicochemical variation, residue mobility, and thermodynamic stability) performed at Invitae indicates that this missense variant is not expected to disrupt SCN9A protein function.

NM_001365536.1(SCN9A):c.331C>G (p.Pro111Ala)

Gene: SCN9A (sodium voltage-gated channel alpha subunit 9; minus strand). Cytogenetic location: 2q24.3.
Variant type: single nucleotide variant.
Coding change: c.331C>G on transcript NM_001365536.1 (MANE Select); coding-DNA position 331, C replaced by G.
Protein change: p.Pro111Ala; replaces proline 111 with alanine.
Molecular consequence: missense variant.
Genome position (GRCh38, 1-based): chr2:166,307,002, G>C on the plus strand (C>G on the coding strand, the complement: SCN9A is on the minus strand). VCF-style: chr2-166307002-G-C. GRCh37 (hg19) VCF-style: chr2-167163512-G-C.
Other names: c.331C>G, p.Pro111Ala (NM_002977.4); short protein forms P111A.
Identifiers: ClinVar variation 1019446 (VCV001019446.8), dbSNP rs748725716, ClinGen allele CA349095606.